The following is an entry in ClinVar:

ClinVar aggregate classification (germline): Uncertain significance (1 of 4 stars; one submission).

Submission:

Labcorp Genetics (formerly Invitae), Labcorp
Classification: Uncertain significance. Last evaluated: 2024-08-28. Review status: criteria provided, single submitter. Criteria: Invitae Variant Classification Sherloc (09022015). Collection method: clinical testing. Allele origin: germline.
Comment: This sequence change replaces leucine, which is neutral and non-polar, with phenylalanine, which is neutral and non-polar, at codon 2456 of the TRRAP protein (p.Leu2456Phe). This variant is not present in population databases (gnomAD no frequency). This variant has not been reported in the literature in individuals affected with TRRAP-related conditions. Invitae Evidence Modeling of protein sequence and biophysical properties (such as structural, functional, and spatial information, amino acid conservation, physicochemical variation, residue mobility, and thermodynamic stability) has been performed for this missense variant. However, the output from this modeling did not meet the statistical confidence thresholds required to predict the impact of this variant on TRRAP protein function. In summary, the available evidence is currently insufficient to determine the role of this variant in disease. Therefore, it has been classified as a Variant of Uncertain Significance.

NM_001375524.1(TRRAP):c.7443G>T (p.Leu2481Phe)

Gene: TRRAP (transformation/transcription domain associated protein; plus strand). Cytogenetic location: 7q22.1.
Variant type: single nucleotide variant.
Coding change: c.7443G>T on transcript NM_001375524.1 (MANE Select); coding-DNA position 7443, G replaced by T.
Protein change: p.Leu2481Phe; replaces leucine 2481 with phenylalanine.
Molecular consequence: missense variant.
Genome position (GRCh38, 1-based): chr7:98,967,629, G>T. VCF-style: chr7-98967629-G-T. GRCh37 (hg19) VCF-style: chr7-98565252-G-T.
Other names: c.7422G>T, p.Leu2474Phe (NM_001244580.2); c.7368G>T, p.Leu2456Phe (NM_003496.4); short protein forms L2481F, L2474F, L2456F.
Identifiers: ClinVar variation 3699349 (VCV003699349.2).